The following is an entry in ClinVar:

NM_001164508.2(NEB):c.18048G>C (p.Gln6016His)

Gene: NEB (nebulin; minus strand). Cytogenetic location: 2q23.3.
Variant type: single nucleotide variant.
Coding change: c.18048G>C on transcript NM_001164508.2 (MANE Select); coding-DNA position 18048, G replaced by C.
Protein change: p.Gln6016His; replaces glutamine 6016 with histidine.
Molecular consequence: missense variant.
Genome position (GRCh38, 1-based): chr2:151,567,276, C>G on the plus strand (G>C on the coding strand, the complement: NEB is on the minus strand). VCF-style: chr2-151567276-C-G. GRCh37 (hg19) VCF-style: chr2-152423790-C-G.
Other names: c.18048G>C, p.Gln6016His (NM_001164507.2, NM_001271208.2); c.12945G>C, p.Gln4315His (NM_004543.5); short protein forms Q4315H, Q6016H.
Identifiers: ClinVar variation 1302648 (VCV001302648.2), dbSNP rs1014679160, ClinGen allele CA348803271.

ClinVar aggregate classification (germline): Uncertain significance (1 of 4 stars; one submission).

Allele frequency attached by ClinVar (database versions not stated): gnomAD 0.00001; gnomAD exomes 0.00001.
gnomAD v4.1: 9 of 1,613,798 alleles (0.00056%); highest among the groups gnomAD compares: South Asian, 0.0099%; no homozygotes.

Submission:

GeneDx
Classification: Uncertain significance. Last evaluated: 2019-04-05. Review status: criteria provided, single submitter. Criteria: GeneDx Variant Classification Process June 2021. Collection method: clinical testing. Allele origin: germline. Affected: yes.
Comment: Has not been previously published as pathogenic or benign to our knowledge; Not observed in large population cohorts (Lek et al., 2016); In silico analysis, which includes protein predictors and evolutionary conservation, supports a deleterious effect